The following is an entry in ClinVar:

NM_001365999.1(SZT2):c.5188dup (p.Ser1730fs)

Gene: SZT2 (SZT2 subunit of KICSTOR complex; plus strand). Cytogenetic location: 1p34.2.
Variant type: Duplication.
Coding change: c.5188dup on transcript NM_001365999.1 (MANE Select); coding-DNA position 5188, one base duplicated (T; older notation c.5188dupT).
Protein change: p.Ser1730fs; shifts the reading frame from serine 1730.
Molecular consequence: frameshift variant.
Genome position (GRCh38, 1-based): chr1:43,431,815, T duplicated; the last of 2 consecutive T bases (chr1:43,431,814-43,431,815); duplicating either gives the same sequence. VCF-style (leftmost placement, unchanged base first): chr1-43431813-G-GT. GRCh37 (hg19) VCF-style: chr1-43897484-G-GT.
Other names: c.5017dup, p.Ser1673fs (NM_015284.4); short protein forms S1673fs, S1730fs.
Identifiers: ClinVar variation 1073134 (VCV001073134.7), dbSNP rs1653925536, ClinGen allele CA1001094327.

ClinVar aggregate classification (germline): Pathogenic (1 of 4 stars; one submission).

Submission:

Labcorp Genetics (formerly Invitae), Labcorp
Classification: Pathogenic. Last evaluated: 2025-08-31. Review status: criteria provided, single submitter. Criteria: Invitae Variant Classification Sherloc (09022015). Collection method: clinical testing. Allele origin: germline.
Comment: This sequence change creates a premature translational stop signal (p.Ser1673Phefs*43) in the SZT2 gene. It is expected to result in an absent or disrupted protein product. Loss-of-function variants in SZT2 are known to be pathogenic (PMID: 23932106, 27248490, 28556953). This variant is not present in population databases (gnomAD no frequency). This variant has not been reported in the literature in individuals affected with SZT2-related conditions. ClinVar contains an entry for this variant (Variation ID: 1073134). For these reasons, this variant has been classified as Pathogenic.

Literature cited by the submitters: PubMed 23932106; PubMed 27248490; PubMed 28556953.